The following is an entry in ClinVar:

NM_001367805.3(KIF23):c.636A>G (p.Glu212=)

Gene: KIF23 (kinesin family member 23; plus strand). Cytogenetic location: 15q23.
Variant type: single nucleotide variant.
Coding change: c.636A>G on transcript NM_001367805.3 (MANE Select); coding-DNA position 636, A replaced by G.
Protein change: p.Glu212=; no amino-acid change (glutamic acid 212 retained).
Molecular consequence: synonymous variant. On other transcripts: non-coding transcript variant (2).
Genome position (GRCh38, 1-based): chr15:69,423,231, A>G. VCF-style: chr15-69423231-A-G. GRCh37 (hg19) VCF-style: chr15-69715570-A-G.
Other names: p.Glu212=; c.306A>G, p.Glu102= (NM_001281301.2); c.636A>G, p.Glu212= (NM_001367804.2, NM_004856.7, NM_138555.4).
Identifiers: ClinVar variation 2889062 (VCV002889062.5), dbSNP rs145095664, ClinGen allele CA7634969.
Genomic context (GRCh38, chr15:69,423,231, plus strand): 5'-TCCAGAGTTTGCAGATATGATAACTGTACAAGAATTCTGCAAAGCAGAAGAGGTTGATGA[A>G]GATAGTGTCTATGGTGTATTTGTCTCTTATATTGAAATATATAATAATTACATATATGAT-3'
Protein context (NP_001354734.1, residues 202-222): QEFCKAEEVD[Glu212=]DSVYGVFVSY

ClinVar aggregate classification (germline): Likely benign. Review status: criteria provided, multiple submitters, no conflicts (2 of 4 stars). 3 submissions from 3 submitters: Likely benign (3). Last evaluated 2025-12-01.

Allele frequency attached by ClinVar (database versions not stated): TOPMed 0.00003; ExAC 0.00005; gnomAD 0.00006; gnomAD exomes 0.00008; ESP Exome Variant Server 0.00015.
gnomAD v4.1: 131 of 1,596,158 alleles (0.0082%); highest among the groups gnomAD compares: Non-Finnish European, 0.011%; no homozygotes.

Submissions (3):

Labcorp Genetics (formerly Invitae), Labcorp
Classification: Likely benign. Last evaluated: 2025-12-01. Review status: criteria provided, single submitter. Criteria: Invitae Variant Classification Sherloc (09022015). Collection method: clinical testing. Allele origin: germline.

Mayo Clinic Laboratories, Mayo Clinic
Classification: Likely benign. Last evaluated: 2025-09-22. Review status: criteria provided, single submitter. Criteria: ACMG Guidelines, 2015. Collection method: clinical testing. Allele origin: germline. Observed: 1 variant allele.
Comment: BP4, BP7

Blueprint Genetics
Classification: Likely benign. Last evaluated: 2021-01-09. Review status: criteria provided, single submitter. Criteria: ACMG Guidelines, 2015. Collection method: clinical testing. Allele origin: germline.